The following is an entry in ClinVar:

ClinVar aggregate classification (germline): Likely benign (1 of 4 stars; one submission).

Allele frequency attached by ClinVar (database versions not stated): gnomAD exomes 0.00001; ExAC 0.00002.
gnomAD v4.1: 9 of 1,614,104 alleles (0.00056%); highest among the groups gnomAD compares: Middle Eastern, 0.017%; no homozygotes.

Submission:

CeGaT Center for Human Genetics Tuebingen
Classification: Likely benign. Last evaluated: 2023-03-01. Review status: criteria provided, single submitter. Criteria: CeGaT Center For Human Genetics Tuebingen Variant Classification Criteria Version 2. Collection method: clinical testing. Allele origin: germline. Affected: yes. Observed: 1 variant allele.
Comment: TBC1D1: BP4, BP7

NM_001396959.1(TBC1D1):c.2601G>T (p.Val867=)

Gene: TBC1D1 (TBC1 domain family member 1; plus strand). Cytogenetic location: 4p14.
Variant type: single nucleotide variant.
Coding change: c.2601G>T on transcript NM_001396959.1 (MANE Select); coding-DNA position 2601, G replaced by T.
Protein change: p.Val867=; no amino-acid change (valine 867 retained).
Molecular consequence: synonymous variant.
Genome position (GRCh38, 1-based): chr4:38,096,011, G>T. VCF-style: chr4-38096011-G-T. GRCh37 (hg19) VCF-style: chr4-38097632-G-T.
Other names: c.2601G>T, p.Val867= (NM_001253912.2); c.2319G>T, p.Val773= (NM_015173.4).
Identifiers: ClinVar variation 2654722 (VCV002654722.24), dbSNP rs765004843, ClinGen allele CA2888061.